The following is an entry in ClinVar:

ClinVar aggregate classification (germline): Uncertain significance. Review status: criteria provided, multiple submitters, no conflicts (2 of 4 stars). 5 submissions from 2 submitters: Uncertain significance (5). Last evaluated 2022-08-20.

Conditions:
Autosomal recessive cerebellar ataxia. Also called: Spinocerebellar ataxia, autosomal recessive; Spinocerebellar Ataxia, Recessive. Identifiers: Orphanet 1172, MedGen C5575375, MONDO:0015244.
Infantile onset spinocerebellar ataxia (MTDPS7). Also called: OHAHA SYNDROME; SPINOCEREBELLAR ATAXIA, INFANTILE, WITH SENSORY NEUROPATHY; Mitochondrial DNA depletion syndrome 7 (hepatocerebral type); OPHTHALMOPLEGIA, HYPOTONIA, ATAXIA, HYPOACUSIS, AND ATHETOSIS. Identifiers: Orphanet 1186, MedGen C1849096, MONDO:0010060, OMIM 271245.
Sensory ataxic neuropathy, dysarthria, and ophthalmoparesis (SANDO). Also called: Sensory ataxic neuropathy-dysarthria-ophthalmoparesis syndrome; Epilepsy, progressive myoclonic, type 5; SENSORY ATAXIC NEUROPATHY WITH MITOCHONDRIAL DNA DELETIONS, AUTOSOMAL RECESSIVE; Ataxia Neuropathy Spectrum (ANS). Identifiers: Orphanet 70595, MedGen C1843851, MONDO:0011835, OMIM 607459.
Progressive external ophthalmoplegia with mitochondrial DNA deletions, autosomal dominant 3. Also called: PROGRESSIVE EXTERNAL OPHTHALMOPLEGIA, AUTOSOMAL DOMINANT 3. Identifiers: MedGen C1836439, MONDO:0012241, OMIM 609286.

gnomAD v4.1: 4 of 1,614,150 alleles (0.00025%); highest among the groups gnomAD compares: Non-Finnish European, 0.00034%; no homozygotes.

Submissions (5):

Labcorp Genetics (formerly Invitae), Labcorp
Classification: Uncertain significance. Last evaluated: 2022-08-20. Review status: criteria provided, single submitter. Criteria: Invitae Variant Classification Sherloc (09022015). Collection method: clinical testing. Allele origin: germline.
Comment: In summary, the available evidence is currently insufficient to determine the role of this variant in disease. Therefore, it has been classified as a Variant of Uncertain Significance. Advanced modeling of protein sequence and biophysical properties (such as structural, functional, and spatial information, amino acid conservation, physicochemical variation, residue mobility, and thermodynamic stability) performed at Invitae indicates that this missense variant is not expected to disrupt TWNK protein function. ClinVar contains an entry for this variant (Variation ID: 878242). This variant has not been reported in the literature in individuals affected with TWNK-related conditions. This variant is not present in population databases (gnomAD no frequency). This sequence change replaces arginine, which is basic and polar, with glutamine, which is neutral and polar, at codon 199 of the TWNK protein (p.Arg199Gln).

Illumina Laboratory Services, Illumina
Classification: Uncertain significance for Infantile onset spinocerebellar ataxia. Last evaluated: 2018-01-13. Review status: criteria provided, single submitter. Criteria: ICSL Variant Classification Criteria 13 December 2019. Collection method: clinical testing. Allele origin: germline.

Illumina Laboratory Services, Illumina
Classification: Uncertain significance for Sensory ataxic neuropathy-dysarthria-ophthalmoparesis syndrome. Last evaluated: 2018-01-13. Review status: criteria provided, single submitter. Criteria: ICSL Variant Classification Criteria 13 December 2019. Collection method: clinical testing. Allele origin: germline.

Illumina Laboratory Services, Illumina
Classification: Uncertain significance for Autosomal recessive cerebellar ataxia. Last evaluated: 2018-01-13. Review status: criteria provided, single submitter. Criteria: ICSL Variant Classification Criteria 13 December 2019. Collection method: clinical testing. Allele origin: germline.

Illumina Laboratory Services, Illumina
Classification: Uncertain significance for Progressive external ophthalmoplegia with mitochondrial DNA deletions, autosomal dominant 3. Last evaluated: 2018-01-13. Review status: criteria provided, single submitter. Criteria: ICSL Variant Classification Criteria 13 December 2019. Collection method: clinical testing. Allele origin: germline.

NM_021830.5(TWNK):c.596G>A (p.Arg199Gln)

Gene: TWNK (twinkle mtDNA helicase; plus strand). Cytogenetic location: 10q24.31.
Variant type: single nucleotide variant.
Coding change: c.596G>A on transcript NM_021830.5 (MANE Select); coding-DNA position 596, G replaced by A.
Protein change: p.Arg199Gln; replaces arginine 199 with glutamine.
Molecular consequence: missense variant. On other transcripts: non-coding transcript variant (4), intron variant (3).
Genome position (GRCh38, 1-based): chr10:100,988,806, G>A. VCF-style: chr10-100988806-G-A. GRCh37 (hg19) VCF-style: chr10-102748563-G-A.
Other names: c.596G>A, p.Arg199Gln (NM_001163812.2); c.-119-838G>A (NM_001163814.2, NM_001163813.2); c.-57-900G>A (NM_001368275.1); short protein forms R199Q.
Identifiers: ClinVar variation 878242 (VCV000878242.8), dbSNP rs1564807938, ClinGen allele CA378207767.